The following is an entry in ClinVar:

NM_000051.4(ATM):c.4366_4378delinsAGCCA (p.Gly1456fs)

Gene: ATM (ATM serine/threonine kinase; plus strand). Cytogenetic location: 11q22.3.
Variant type: Indel.
Coding change: c.4366_4378delinsAGCCA on transcript NM_000051.4 (MANE Select); coding-DNA positions 4366 to 4378, GGCTTAGGAGGAG replaced by AGCCA.
Protein change: p.Gly1456fs; shifts the reading frame from glycine 1456.
Molecular consequence: frameshift variant.
Genome position (GRCh38, 1-based): chr11:108,289,731-108,289,743, GGCTTAGGAGGAG replaced by AGCCA. VCF-style: chr11-108289731-GGCTTAGGAGGAG-AGCCA. GRCh37 (hg19) VCF-style: chr11-108160458-GGCTTAGGAGGAG-AGCCA.
Other names: c.4366_4378del13insAGCCA (NM_000051.3); c.4366_4378delinsAGCCA, p.Gly1456fs (NM_001351834.2); short protein forms G1456fs.
Identifiers: ClinVar variation 4866069 (VCV004866069.1).

ClinVar aggregate classification (germline): Pathogenic (1 of 4 stars; one submission).

Conditions:
Hereditary cancer-predisposing syndrome. Also called: Neoplastic Syndromes, Hereditary; Tumor predisposition; Hereditary Cancer Syndrome; Hereditary neoplastic syndrome. Identifiers: Orphanet 140162, MedGen C0027672, MeSH D009386, MONDO:0015356.

Submission:

Ambry Genetics
Classification: Pathogenic for Hereditary cancer-predisposing syndrome. Last evaluated: 2026-04-06. Review status: criteria provided, single submitter. Criteria: Ambry Variant Classification Scheme 2023. Collection method: clinical testing. Allele origin: germline.
Comment: The c.4366_4378del13insAGCCA pathogenic mutation, located in coding exon 28 of the ATM gene, results from the deletion of 13 nucleotides and insertion of 5 nucleotides causing a translational frameshift with a predicted alternate stop codon (p.G1456Sfs*32). This variant is considered to be rare based on population cohorts in the Genome Aggregation Database (gnomAD). This alteration is expected to result in loss of function by premature protein truncation or nonsense-mediated mRNA decay. As such, this alteration is interpreted as a disease-causing mutation.